The following is an entry in ClinVar:

NM_004208.4(AIFM1):c.971G>A (p.Arg324Gln)

Genes: AIFM1 (apoptosis inducing factor mitochondria associated 1; minus strand), RAB33A (RAB33A, member RAS oncogene family; plus strand). Cytogenetic location: Xq26.1.
Variant type: single nucleotide variant.
Coding change: c.971G>A on transcript NM_004208.4 (MANE Select); coding-DNA position 971, G replaced by A.
Protein change: p.Arg324Gln; replaces arginine 324 with glutamine.
Molecular consequence: missense variant. On other transcripts: 5 prime UTR variant (1), 3 prime UTR variant (1), non-coding transcript variant (1).
Genome position (GRCh38, 1-based): chrX:130,137,182, C>T on the plus strand (G>A on the coding strand, the complement: AIFM1 is on the minus strand). VCF-style: chrX-130137182-C-T. GRCh37 (hg19) VCF-style: chrX-129271157-C-T.
Other names: c.-47G>A (NM_001130846.4); c.*199G>A (NM_001130847.4); c.959G>A, p.Arg320Gln (NM_145812.3); short protein forms R320Q, R324Q.
Identifiers: ClinVar variation 834646 (VCV000834646.11), dbSNP rs757644205, ClinGen allele CA10515353.

ClinVar aggregate classification (germline): Likely benign. Review status: criteria provided, multiple submitters, no conflicts (2 of 4 stars). 3 submissions from 3 submitters: Likely benign (3). Last evaluated 2026-09-01.

Conditions:
Charcot-Marie-Tooth Neuropathy X. Identifiers: MedGen CN118851.
Combined oxidative phosphorylation deficiency. Identifiers: MedGen C4540031, MONDO:0000732.

Allele frequency attached by ClinVar (database versions not stated): gnomAD exomes 0.00001 and 0.00003; gnomAD 0.00002; TOPMed 0.00002; ExAC 0.00007.
gnomAD v4.1: 11 of 1,208,622 alleles (0.00091%); highest among the groups gnomAD compares: Admixed American, 0.011%; no homozygotes.

Submissions (3):

CeGaT Center for Human Genetics Tuebingen
Classification: Likely benign. Last evaluated: 2026-09-01. Review status: criteria provided, single submitter. Criteria: CeGaT Center For Human Genetics Tuebingen Variant Classification Criteria Version 2. Collection method: clinical testing. Allele origin: germline. Affected: yes. Observed: 1 variant allele.
Comment: AIFM1: BP4, BS2

Labcorp Genetics (formerly Invitae), Labcorp
Classification: Likely benign for Charcot-Marie-Tooth Neuropathy X; Combined oxidative phosphorylation deficiency. Last evaluated: 2023-08-10. Review status: criteria provided, single submitter. Criteria: Invitae Variant Classification Sherloc (09022015). Collection method: clinical testing. Allele origin: germline.

Blueprint Genetics
Classification: Likely benign. Last evaluated: 2019-09-03. Review status: criteria provided, single submitter. Criteria: ACMG Guidelines, 2015. Collection method: clinical testing. Allele origin: germline.